The following is an entry in ClinVar:

ClinVar aggregate classification (germline): Uncertain significance (1 of 4 stars; one submission).

Submission:

GeneDx
Classification: Uncertain significance. Last evaluated: 2024-01-19. Review status: criteria provided, single submitter. Criteria: GeneDx Variant Classification Process June 2021. Collection method: clinical testing. Allele origin: germline. Affected: yes.
Comment: Has not been previously published as pathogenic or benign to our knowledge; Not observed at significant frequency in large population cohorts (gnomAD); In silico analysis supports that this missense variant does not alter protein structure/function

NM_004612.4(TGFBR1):c.493T>G (p.Ser165Ala)

Gene: TGFBR1 (transforming growth factor beta receptor 1; plus strand). Cytogenetic location: 9q22.33.
Variant type: single nucleotide variant.
Coding change: c.493T>G on transcript NM_004612.4 (MANE Select); coding-DNA position 493, T replaced by G.
Protein change: p.Ser165Ala; replaces serine 165 with alanine.
Molecular consequence: missense variant. On other transcripts: non-coding transcript variant (4), intron variant (3).
Genome position (GRCh38, 1-based): chr9:99,132,658, T>G. VCF-style: chr9-99132658-T-G. GRCh37 (hg19) VCF-style: chr9-101894940-T-G.
Other names: c.505T>G, p.Ser169Ala (NM_001306210.2, NM_001407416.1); c.493T>G, p.Ser165Ala (NM_001407417.1, NM_001407435.1); c.298T>G, p.Ser100Ala (NM_001407418.1, NM_001407419.1, NM_001407420.1 and 1 more transcripts); c.286T>G, p.Ser96Ala (NM_001407423.1, NM_001407424.1, NM_001407425.1 and 8 more transcripts); c.247T>G, p.Ser83Ala (NM_001407436.1); c.343+3558T>G (NM_001130916.3); c.98-5201T>G (NM_001407438.1); c.98-9878T>G (NM_001407437.1); short protein forms S100A, S165A, S169A, S83A, S96A.
Identifiers: ClinVar variation 3368161 (VCV003368161.1).